The following is an entry in ClinVar:

NM_001367624.2(ZNF469):c.1466C>T (p.Pro489Leu)

Gene: ZNF469 (zinc finger protein 469; plus strand). Cytogenetic location: 16q24.2.
Variant type: single nucleotide variant.
Coding change: c.1466C>T on transcript NM_001367624.2 (MANE Select); coding-DNA position 1466, C replaced by T.
Protein change: p.Pro489Leu; replaces proline 489 with leucine.
Molecular consequence: missense variant.
Genome position (GRCh38, 1-based): chr16:88,428,936, C>T. VCF-style: chr16-88428936-C-T. GRCh37 (hg19) VCF-style: chr16-88495344-C-T.
Other names: NM_001127464.1:c.1466C>T; short protein forms P489L.
Identifiers: ClinVar variation 1773262 (VCV001773262.2), dbSNP rs759524656, ClinGen allele CA8224675.

ClinVar aggregate classification (germline): Uncertain significance (1 of 4 stars; one submission).

Conditions:
Cardiovascular phenotype. Identifiers: MedGen CN230736.

Allele frequency attached by ClinVar (database versions not stated): ExAC 0.00008.
gnomAD v4.1: 6 of 1,546,558 alleles (0.00039%); highest among the groups gnomAD compares: African/African-American, 0.0014%; no homozygotes.

Submission:

Ambry Genetics
Classification: Uncertain significance for Cardiovascular phenotype. Last evaluated: 2024-01-11. Review status: criteria provided, single submitter. Criteria: Ambry Variant Classification Scheme 2023. Collection method: clinical testing. Allele origin: germline.
Comment: The p.P489L variant (also known as c.1466C>T), located in coding exon 1 of the ZNF469 gene, results from a C to T substitution at nucleotide position 1466. The proline at codon 489 is replaced by leucine, an amino acid with similar properties. This amino acid position is not well conserved in available vertebrate species, and leucine is the reference amino acid in other vertebrate species. In addition, this alteration is predicted to be tolerated by in silico analysis. Since supporting evidence is limited at this time, the clinical significance of this alteration remains unclear.